The following is an entry in ClinVar:

NM_006019.4(TCIRG1):c.607C>G (p.Gln203Glu)

Gene: TCIRG1 (T cell immune regulator 1, ATPase H+ transporting V0 subunit a3; plus strand). Cytogenetic location: 11q13.2.
Variant type: single nucleotide variant.
Coding change: c.607C>G on transcript NM_006019.4 (MANE Select); coding-DNA position 607, C replaced by G.
Protein change: p.Gln203Glu; replaces glutamine 203 with glutamic acid.
Molecular consequence: missense variant. On other transcripts: 5 prime UTR variant (2).
Genome position (GRCh38, 1-based): chr11:68,043,474, C>G. VCF-style: chr11-68043474-C-G. GRCh37 (hg19) VCF-style: chr11-67810941-C-G.
Other names: c.-304C>G (NM_001351059.2); c.-42C>G (NM_006053.4); short protein forms Q203E.
Identifiers: ClinVar variation 1983537 (VCV001983537.3), dbSNP rs2495620800, ClinGen allele CA381577314.
Genomic context (GRCh38, chr11:68,043,474, plus strand): 5'-GAGCGCCTGCTCTGGAGGGCCTGCCGCGGCTTCCTCATTGCCAGCTTCAGGGAGCTGGAG[C>G]AGCCGCTGGAGCACCCCGTGACGGTGAGCAGCTGGCGCTGGGCTGGGGGGTCCTGGGCAG-3'
Protein context (NP_006010.2, residues 193-213): FLIASFRELE[Gln203Glu]PLEHPVTGEP

ClinVar aggregate classification (germline): Uncertain significance (1 of 4 stars; one submission).

Allele frequency attached by ClinVar (database versions not stated): gnomAD exomes below 0.00001.
gnomAD v4.1: 6 of 1,558,832 alleles (0.00038%); highest among the groups gnomAD compares: African/African-American, 0.0014%; no homozygotes.

Submission:

Labcorp Genetics (formerly Invitae), Labcorp
Classification: Uncertain significance. Last evaluated: 2025-06-04. Review status: criteria provided, single submitter. Criteria: Invitae Variant Classification Sherloc (09022015). Collection method: clinical testing. Allele origin: germline.
Comment: This sequence change replaces glutamine, which is neutral and polar, with glutamic acid, which is acidic and polar, at codon 203 of the TCIRG1 protein (p.Gln203Glu). This variant is not present in population databases (gnomAD no frequency). This variant has not been reported in the literature in individuals affected with TCIRG1-related conditions. ClinVar contains an entry for this variant (Variation ID: 1983537). Invitae Evidence Modeling of protein sequence and biophysical properties (such as structural, functional, and spatial information, amino acid conservation, physicochemical variation, residue mobility, and thermodynamic stability) indicates that this missense variant is not expected to disrupt TCIRG1 protein function with a negative predictive value of 80%. In summary, the available evidence is currently insufficient to determine the role of this variant in disease. Therefore, it has been classified as a Variant of Uncertain Significance.